The following is an entry in ClinVar:

NM_005898.5(CAPRIN1):c.1930T>A (p.Ser644Thr)

Gene: CAPRIN1 (cell cycle associated protein 1; plus strand). Cytogenetic location: 11p13.
Variant type: single nucleotide variant.
Coding change: c.1930T>A on transcript NM_005898.5 (MANE Select); coding-DNA position 1930, T replaced by A.
Protein change: p.Ser644Thr; replaces serine 644 with threonine.
Molecular consequence: missense variant.
Genome position (GRCh38, 1-based): chr11:34,097,225, T>A. VCF-style: chr11-34097225-T-A. GRCh37 (hg19) VCF-style: chr11-34118772-T-A.
Other names: c.1930T>A, p.Ser644Thr (NM_203364.3); short protein forms S644T.
Identifiers: ClinVar variation 4527099 (VCV004527099.1).

ClinVar aggregate classification (germline): Uncertain significance (1 of 4 stars; one submission).

gnomAD v4.1: 1 of 1,613,812 alleles (0.000062%); highest among the groups gnomAD compares: South Asian, 0.0011%; no homozygotes.

Submission:

GeneDx
Classification: Uncertain significance. Last evaluated: 2025-05-03. Review status: criteria provided, single submitter. Criteria: GeneDx Variant Classification Process June 2021. Collection method: clinical testing. Allele origin: germline. Affected: yes.
Comment: Not observed at significant frequency in large population cohorts (gnomAD); In silico analysis suggests that this missense variant does not alter protein structure/function; Has not been previously published as pathogenic or benign to our knowledge